The following is an entry in ClinVar:

NM_001048174.2(MUTYH):c.1038C>G (p.Thr346=)

Gene: MUTYH (mutY DNA glycosylase; minus strand). Cytogenetic location: 1p34.1.
Variant type: single nucleotide variant.
Coding change: c.1038C>G on transcript NM_001048174.2 (MANE Select); coding-DNA position 1038, C replaced by G.
Protein change: p.Thr346=; no amino-acid change (threonine 346 retained).
Molecular consequence: synonymous variant. On other transcripts: non-coding transcript variant (2).
Genome position (GRCh38, 1-based): chr1:45,331,725, G>C on the plus strand (C>G on the coding strand, the complement: MUTYH is on the minus strand). VCF-style: chr1-45331725-G-C. GRCh37 (hg19) VCF-style: chr1-45797397-G-C.
Other names: c.1038C>G, p.Thr346= (NM_001048171.2, NM_001048173.2, NM_001293195.2); c.1041C>G, p.Thr347= (NM_001048172.2); c.1122C>G, p.Thr374= (NM_001128425.2); c.1083C>G, p.Thr361= (NM_001293190.2); c.1071C>G, p.Thr357= (NM_001293191.2); c.762C>G, p.Thr254= (NM_001293192.2, NM_001293196.2); c.693C>G, p.Thr231= (NM_001350650.2, NM_001350651.2); c.1113C>G, p.Thr371= (NM_012222.3).
Identifiers: ClinVar variation 943618 (VCV000943618.11), dbSNP rs1644903899, ClinGen allele CA417879712.

ClinVar aggregate classification (germline): Conflicting classifications of pathogenicity. Review status: criteria provided, conflicting classifications (1 of 4 stars). 3 submissions from 3 submitters: Uncertain significance (1); Likely benign (2). Last evaluated 2025-10-23.

Conditions:
Hereditary cancer-predisposing syndrome. Also called: Neoplastic Syndromes, Hereditary; Tumor predisposition; Hereditary Cancer Syndrome; Hereditary neoplastic syndrome. Identifiers: Orphanet 140162, MedGen C0027672, MeSH D009386, MONDO:0015356.
Familial adenomatous polyposis 2. Also called: Adenomas, multiple colorectal; MUTYH Polyposis; COLORECTAL ADENOMATOUS POLYPOSIS, AUTOSOMAL RECESSIVE; ADENOMAS, MULTIPLE COLORECTAL, AUTOSOMAL RECESSIVE; MUTYH-associated polyposis; MUTYH-related attenuated familial adenomatous polyposis. Identifiers: Orphanet 220460, Orphanet 247798, MedGen C3272841, MONDO:0012041, OMIM 608456.

Submissions (3):

Quest Diagnostics Nichols Institute San Juan Capistrano
Classification: Uncertain significance. Last evaluated: 2025-10-23. Review status: criteria provided, single submitter. Criteria: Quest Diagnostics criteria. Collection method: clinical testing. Allele origin: unknown.
Comment: The MUTYH c.1122C>G (p.Thr374=) synonymous variant has not been reported in individuals with MUTYH-related conditions in the published literature. This variant has not been reported in large, multi-ethnic general populations (Genome Aggregation Database). Analysis of this variant using software algorithms for the prediction of the effect of nucleotide changes on MUTYH mRNA splicing yielded predictions that this variant may result in the gain of a cryptic splice site without affecting the natural splice sites. Based on the available information, we are unable to determine the clinical significance of this variant.

Labcorp Genetics (formerly Invitae), Labcorp
Classification: Likely benign for Familial adenomatous polyposis 2. Last evaluated: 2025-10-20. Review status: criteria provided, single submitter. Criteria: Invitae Variant Classification Sherloc (09022015). Collection method: clinical testing. Allele origin: germline.

Ambry Genetics
Classification: Likely benign for Hereditary cancer-predisposing syndrome. Last evaluated: 2023-09-15. Review status: criteria provided, single submitter. Criteria: Ambry Variant Classification Scheme 2023. Collection method: clinical testing. Allele origin: germline.